The following is an entry in ClinVar:

NM_004706.4(ARHGEF1):c.2597G>A (p.Arg866Gln)

Gene: ARHGEF1 (Rho guanine nucleotide exchange factor 1; plus strand). Cytogenetic location: 19q13.2.
Variant type: single nucleotide variant.
Coding change: c.2597G>A on transcript NM_004706.4 (MANE Select); coding-DNA position 2597, G replaced by A.
Protein change: p.Arg866Gln; replaces arginine 866 with glutamine.
Molecular consequence: missense variant. On other transcripts: non-coding transcript variant (2), intron variant (4).
Genome position (GRCh38, 1-based): chr19:41,906,562, G>A. VCF-style: chr19-41906562-G-A. GRCh37 (hg19) VCF-style: chr19-42410714-G-A.
Other names: c.2765G>A, p.Arg922Gln (NM_001396000.1); c.2498G>A, p.Arg833Gln (NM_198977.2); c.2642G>A, p.Arg881Gln (NM_199002.2); c.2492-141G>A (NM_001396003.1, NM_001396006.1); c.2393-141G>A (NM_001396002.1, NM_001396004.1); c.2642G>A (NM_199002.1); short protein forms R881Q, R922Q, R866Q, R833Q.
Identifiers: ClinVar variation 1923766 (VCV001923766.6), dbSNP rs368646630, ClinGen allele CA9466793.

ClinVar aggregate classification (germline): Conflicting classifications of pathogenicity. Review status: criteria provided, conflicting classifications (1 of 4 stars). 2 submissions from 2 submitters: Uncertain significance (1); Likely benign (1). Last evaluated 2025-08-30.

Allele frequency attached by ClinVar (database versions not stated): ExAC 0.00003; ESP Exome Variant Server 0.00015.
gnomAD v4.1: 15 of 1,600,258 alleles (0.00094%); highest among the groups gnomAD compares: Middle Eastern, 0.033%; no homozygotes.

Submissions (2):

Ambry Genetics
Classification: Likely benign. Last evaluated: 2025-08-30. Review status: criteria provided, single submitter. Criteria: Ambry Variant Classification Scheme 2023. Collection method: clinical testing. Allele origin: germline.

Labcorp Genetics (formerly Invitae), Labcorp
Classification: Uncertain significance. Last evaluated: 2023-03-16. Review status: criteria provided, single submitter. Criteria: Invitae Variant Classification Sherloc (09022015). Collection method: clinical testing. Allele origin: germline.
Comment: This variant has not been reported in the literature in individuals affected with ARHGEF1-related conditions. This variant is present in population databases (rs368646630, gnomAD 0.01%). This sequence change replaces arginine, which is basic and polar, with glutamine, which is neutral and polar, at codon 881 of the ARHGEF1 protein (p.Arg881Gln). ClinVar contains an entry for this variant (Variation ID: 1923766). In summary, the available evidence is currently insufficient to determine the role of this variant in disease. Therefore, it has been classified as a Variant of Uncertain Significance. Algorithms developed to predict the effect of missense changes on protein structure and function output the following: SIFT: "Not Available"; PolyPhen-2: "Benign"; Align-GVGD: "Not Available". The glutamine amino acid residue is found in multiple mammalian species, which suggests that this missense change does not adversely affect protein function.